The following is an entry in ClinVar:

NM_000243.3(MEFV):c.254A>T (p.Glu85Val)

Gene: MEFV (MEFV innate immunity regulator, pyrin; minus strand). Cytogenetic location: 16p13.3.
Variant type: single nucleotide variant.
Coding change: c.254A>T on transcript NM_000243.3 (MANE Select); coding-DNA position 254, A replaced by T.
Protein change: p.Glu85Val; replaces glutamic acid 85 with valine.
Molecular consequence: missense variant.
Genome position (GRCh38, 1-based): chr16:3,256,334, T>A on the plus strand (A>T on the coding strand, the complement: MEFV is on the minus strand). VCF-style: chr16-3256334-T-A. GRCh37 (hg19) VCF-style: chr16-3306334-T-A.
Other names: c.254A>T, p.Glu85Val (NM_001198536.2); short protein forms E85V.
Identifiers: ClinVar variation 3230738 (VCV003230738.1), dbSNP rs2543159348, ClinGen allele CA394483467.

ClinVar aggregate classification (germline): Uncertain significance (1 of 4 stars; one submission).

Conditions:
Inborn genetic diseases. Identifiers: MedGen C0950123, MeSH D030342.

gnomAD v4.1: 1 of 1,613,884 alleles (0.000062%); highest among the groups gnomAD compares: Non-Finnish European, 0.000085%; no homozygotes.

Submission:

Ambry Genetics
Classification: Uncertain significance for Inborn genetic diseases. Last evaluated: 2023-11-17. Review status: criteria provided, single submitter. Criteria: Ambry Variant Classification Scheme 2023. Collection method: clinical testing. Allele origin: germline.
Comment: The p.E85V variant (also known as c.254A>T), located in coding exon 1 of the MEFV gene, results from an A to T substitution at nucleotide position 254. The glutamic acid at codon 85 is replaced by valine, an amino acid with dissimilar properties. This amino acid position is conserved. In addition, in silico predictors for this gene do not accurately predict pathogenicity. Since supporting evidence is limited at this time, the clinical significance of this alteration remains unclear.